The following is an entry in ClinVar:

ClinVar aggregate classification (germline): Uncertain significance (1 of 4 stars; one submission).

Submission:

GeneDx
Classification: Uncertain significance. Last evaluated: 2023-12-07. Review status: criteria provided, single submitter. Criteria: GeneDx Variant Classification Process June 2021. Collection method: clinical testing. Allele origin: germline. Affected: yes.
Comment: Not observed at significant frequency in large population cohorts (gnomAD); In silico analysis supports that this missense variant does not alter protein structure/function; Has not been previously published as pathogenic or benign to our knowledge

NM_006842.3(SF3B2):c.1549A>G (p.Ile517Val)

Gene: SF3B2 (splicing factor 3b subunit 2; plus strand). Cytogenetic location: 11q13.1.
Variant type: single nucleotide variant.
Coding change: c.1549A>G on transcript NM_006842.3 (MANE Select); coding-DNA position 1549, A replaced by G.
Protein change: p.Ile517Val; replaces isoleucine 517 with valine.
Molecular consequence: missense variant.
Genome position (GRCh38, 1-based): chr11:66,059,929, A>G. VCF-style: chr11-66059929-A-G. GRCh37 (hg19) VCF-style: chr11-65827400-A-G.
Other names: short protein forms I517V.
Identifiers: ClinVar variation 3252661 (VCV003252661.1), dbSNP rs2496013925.
Genomic context (GRCh38, chr11:66,059,929, plus strand): 5'-TCTGTGCCTGTGCCACGCCACTGGTGTTTTAAGCGCAAATACCTGCAGGGCAAACGGGGC[A>G]TTGAGAAGCCCCCCTTCGAGCTGCCAGACTTCATCAAACGCACAGGCATCCAGGAGATGC-3'
Protein context (NP_006833.2, residues 507-527): KRKYLQGKRG[Ile517Val]EKPPFELPDF